The following is an entry in ClinVar:

NM_002230.4(JUP):c.427G>C (p.Ala143Pro)

Gene: JUP (junction plakoglobin; minus strand). Cytogenetic location: 17q21.2.
Variant type: single nucleotide variant.
Coding change: c.427G>C on transcript NM_002230.4 (MANE Select); coding-DNA position 427, G replaced by C.
Protein change: p.Ala143Pro; replaces alanine 143 with proline.
Molecular consequence: missense variant.
Genome position (GRCh38, 1-based): chr17:41,769,459, C>G on the plus strand (G>C on the coding strand, the complement: JUP is on the minus strand). VCF-style: chr17-41769459-C-G. GRCh37 (hg19) VCF-style: chr17-39925711-C-G.
Other names: c.427G>C, p.Ala143Pro (NM_001352773.2, NM_001352774.2, NM_001352775.2 and 3 more transcripts); short protein forms A143P.
Identifiers: ClinVar variation 4784855 (VCV004784855.1).

ClinVar aggregate classification (germline): Uncertain significance (1 of 4 stars; one submission).

Conditions:
Arrhythmogenic right ventricular dysplasia 12. Also called: ARRHYTHMOGENIC RIGHT VENTRICULAR DYSPLASIA, FAMILIAL, 12. Identifiers: MedGen C1969081, MONDO:0012684, OMIM 611528.
Naxos disease (NXD). Also called: WOOLLY HAIR, PALMOPLANTAR KERATODERMA, AND CARDIAC ABNORMALITIES; KERATOSIS PALMOPLANTARIS WITH ARRHYTHMOGENIC CARDIOMYOPATHY; MAL DE NAXOS; PALMOPLANTAR KERATODERMA WITH ARRHYTHMOGENIC RIGHT VENTRICULAR CARDIOMYOPATHY AND WOOLLY HAIR; CARDIOMYOPATHY, ARRHYTHMOGENIC RIGHT VENTRICULAR, WITH SKIN, HAIR, AND NAIL ABNORMALITIES. Identifiers: Orphanet 34217, MedGen C1832600, MONDO:0011017, OMIM 601214.

Submission:

Labcorp Genetics (formerly Invitae), Labcorp
Classification: Uncertain significance for Arrhythmogenic right ventricular dysplasia 12; Naxos disease. Last evaluated: 2025-12-08. Review status: criteria provided, single submitter. Criteria: Invitae Variant Classification Sherloc (09022015). Collection method: clinical testing. Allele origin: germline.
Comment: This sequence change replaces alanine, which is neutral and non-polar, with proline, which is neutral and non-polar, at codon 143 of the JUP protein (p.Ala143Pro). This variant is not present in population databases (gnomAD no frequency). This variant has not been reported in the literature in individuals affected with JUP-related conditions. An algorithm developed to predict the effect of missense changes on protein structure and function (PolyPhen-2) suggests that this variant is likely to be disruptive. In summary, the available evidence is currently insufficient to determine the role of this variant in disease. Therefore, it has been classified as a Variant of Uncertain Significance.